The following is an entry in ClinVar:

ClinVar aggregate classification (germline): Likely pathogenic (3 of 4 stars; one submission).

Conditions:
Bernard Soulier syndrome (BSS). Also called: BLEEDING DISORDER, PLATELET-TYPE, 1; PLATELET GLYCOPROTEIN Ib DEFICIENCY; VON WILLEBRAND FACTOR RECEPTOR DEFICIENCY; Platelet Glycoprotein 1b, Deficiency of; Giant platelet syndrome; Hemorrhagiparous thrombocytic dystrophy. Identifiers: Orphanet 274, MedGen C0005129, MeSH D001606, MONDO:0009276, OMIM 231200.

Submission:

ClinGen Platelet Disorders Variant Curation Expert Panel, ClinGen
Classification: Likely pathogenic for Bernard Soulier syndrome. Last evaluated: 2026-04-02. Review status: reviewed by expert panel. Criteria: ClinGen Platelet ACMG Specifications GP1BB V1.0.0. Collection method: curation. Allele origin: germline. Inheritance: Autosomal recessive inheritance.
Comment: The c.96C>A (p.Cys32Ter) variant in GP1BB is a nonsense variant that may cause loss of function of the protein, however it is predicted to escape nonsense mediated decay and remove >10% of the protein (PVS1_Strong). At least one patient (Patient BSS4.01 in PMID: 23402648) with this variant had aggregation absent for ristocetin and present for all other agonists as well as less than 10% expression of GPIba and GP9 measured by flow cytometry, which is highly specific for Bernard-Soulier syndrome. Additionally, the patient had excessive mucocutaneous bleeding and macrothrombocytopenia which are consistent with Bernard-Soulier syndrome (PP4). This variant is absent from gnomAD v4.1.0 (PM2_Supporting). In summary, this variant meets the criteria to be classified as Likely Pathogenic for autosomal recessive Bernard-Soulier syndrome based on the ACMG/AMP criteria applied, as specified by the ClinGen PD VCEP: PVS1_Strong, PP1, PP4, PM2_Supporting and PM3_Supporting (VCEP specifications version 1.1).

NM_000407.5(GP1BB):c.96C>A (p.Cys32Ter)

Genes: GP1BB (glycoprotein Ib platelet subunit beta; plus strand), SEPT5-GP1BB (SEPT5-GP1BB readthrough; plus strand). Cytogenetic location: 22q11.21.
Variant type: single nucleotide variant.
Coding change: c.96C>A on transcript NM_000407.5 (MANE Select); coding-DNA position 96, C replaced by A.
Protein change: p.Cys32Ter; replaces cysteine 32 with a stop codon.
Molecular consequence: nonsense. On other transcripts: non-coding transcript variant (2).
Genome position (GRCh38, 1-based): chr22:19,723,939, C>A. VCF-style: chr22-19723939-C-A. GRCh37 (hg19) VCF-style: chr22-19711462-C-A.
Other names: NM_000407.5:c.96C>A; short protein forms C32*.
Identifiers: ClinVar variation 4849246 (VCV004849246.1).